The following is an entry in ClinVar:

ClinVar aggregate classification (germline): Uncertain significance. Review status: criteria provided, multiple submitters, no conflicts (2 of 4 stars). 3 submissions from 3 submitters: Uncertain significance (3). Last evaluated 2026-07-27.

Conditions:
Cognitive impairment - coarse facies - heart defects - obesity - pulmonary involvement - short stature - skeletal dysplasia syndrome. Also called: COGNITIVE IMPAIRMENT, COARSE FACIES, HEART DEFECTS, OBESITY, PULMONARY INVOLVEMENT, SHORT STATURE, AND SKELETAL DYSPLASIA; Chops syndrome; AFF4-Related CHOPS Syndrome. Identifiers: Orphanet 444077, MedGen C4085597, MONDO:0014609, OMIM 616368.
AFF4-related disorder. Also called: AFF4-related condition.

Allele frequency attached by ClinVar (database versions not stated): TOPMed below 0.00001; ExAC 0.00001.

Submissions (3):

PreventionGenetics, part of Exact Sciences
Classification: Uncertain significance for AFF4-related condition. Last evaluated: 2026-07-27. Review status: criteria provided, single submitter. Criteria: ACMG Guidelines, 2015. Collection method: clinical testing. Allele origin: germline.
Comment: The AFF4 c.1971G>T variant is predicted to result in the amino acid substitution p.Glu657Asp. To our knowledge, this variant has not been reported in the literature or in a large population database, indicating this variant is rare. At this time, the clinical significance of this variant is uncertain due to the absence of conclusive functional and genetic evidence.

Labcorp Genetics (formerly Invitae), Labcorp
Classification: Uncertain significance for Cognitive impairment - coarse facies - heart defects - obesity - pulmonary involvement - short stature - skeletal dysplasia syndrome. Last evaluated: 2025-09-25. Review status: criteria provided, single submitter. Criteria: Invitae Variant Classification Sherloc (09022015). Collection method: clinical testing. Allele origin: germline.
Comment: This sequence change replaces glutamic acid, which is acidic and polar, with aspartic acid, which is acidic and polar, at codon 657 of the AFF4 protein (p.Glu657Asp). This variant is present in population databases (rs760409554, gnomAD 0.003%). This variant has not been reported in the literature in individuals affected with AFF4-related conditions. ClinVar contains an entry for this variant (Variation ID: 2632048). Invitae Evidence Modeling of protein sequence and biophysical properties (such as structural, functional, and spatial information, amino acid conservation, physicochemical variation, residue mobility, and thermodynamic stability) indicates that this missense variant is not expected to disrupt AFF4 protein function with a negative predictive value of 80%. In summary, the available evidence is currently insufficient to determine the role of this variant in disease. Therefore, it has been classified as a Variant of Uncertain Significance.

Blueprint Genetics
Classification: Uncertain significance. Last evaluated: 2024-05-07. Review status: criteria provided, single submitter. Criteria: ACMG Guidelines, 2015. Collection method: clinical testing. Allele origin: germline.

NM_014423.4(AFF4):c.1971G>T (p.Glu657Asp)

Gene: AFF4 (ALF transcription elongation factor 4; minus strand). Cytogenetic location: 5q31.1.
Variant type: single nucleotide variant.
Coding change: c.1971G>T on transcript NM_014423.4 (MANE Select); coding-DNA position 1971, G replaced by T.
Protein change: p.Glu657Asp; replaces glutamic acid 657 with aspartic acid.
Molecular consequence: missense variant.
Genome position (GRCh38, 1-based): chr5:132,896,659, C>A on the plus strand (G>T on the coding strand, the complement: AFF4 is on the minus strand). VCF-style: chr5-132896659-C-A. GRCh37 (hg19) VCF-style: chr5-132232351-C-A.
Other names: short protein forms E657D.
Identifiers: ClinVar variation 2632048 (VCV002632048.5), dbSNP rs760409554, ClinGen allele CA3409021.